The following is an entry in ClinVar:

NM_152384.3(BBS5):c.196A>G (p.Arg66Gly)

Gene: BBS5 (Bardet-Biedl syndrome 5; plus strand). Cytogenetic location: 2q31.1.
Variant type: single nucleotide variant.
Coding change: c.196A>G on transcript NM_152384.3 (MANE Select); coding-DNA position 196, A replaced by G.
Protein change: p.Arg66Gly; replaces arginine 66 with glycine.
Molecular consequence: missense variant.
Genome position (GRCh38, 1-based): chr2:169,487,122, A>G. VCF-style: chr2-169487122-A-G. GRCh37 (hg19) VCF-style: chr2-170343632-A-G.
Other names: short protein forms R66G.
Identifiers: ClinVar variation 3356218 (VCV003356218.1).

ClinVar aggregate classification (germline): Uncertain significance (0 of 4 stars; one submission).

Conditions:
BBS5-related disorder. Also called: BBS5-related condition.

gnomAD v4.1: 1 of 1,610,226 alleles (0.000062%); highest among the groups gnomAD compares: Admixed American, 0.0017%; no homozygotes.

Submission:

PreventionGenetics, part of Exact Sciences
Classification: Uncertain significance for BBS5-related condition. Last evaluated: 2024-08-22. Review status: no assertion criteria provided. Collection method: clinical testing. Allele origin: germline.
Comment: The BBS5 c.196A>G variant is predicted to result in the amino acid substitution p.Arg66Gly. To our knowledge, this variant has not been reported in the literature or in a large population database, indicating this variant is rare. At this time, the clinical significance of this variant is uncertain due to the absence of conclusive functional and genetic evidence.